The following is an entry in ClinVar:

ClinVar aggregate classification (germline): Uncertain significance (1 of 4 stars; one submission).

gnomAD v4.1: 20 of 1,611,974 alleles (0.0012%); highest among the groups gnomAD compares: Non-Finnish European, 0.0015%; no homozygotes.

Submission:

Labcorp Genetics (formerly Invitae), Labcorp
Classification: Uncertain significance. Last evaluated: 2025-11-16. Review status: criteria provided, single submitter. Criteria: Invitae Variant Classification Sherloc (09022015). Collection method: clinical testing. Allele origin: germline.
Comment: This sequence change replaces glycine, which is neutral and non-polar, with aspartic acid, which is acidic and polar, at codon 17 of the GPR161 protein (p.Gly17Asp). This variant is not present in population databases (gnomAD no frequency). This variant has not been reported in the literature in individuals affected with GPR161-related conditions. An algorithm developed to predict the effect of missense changes on protein structure and function outputs the following: PolyPhen-2: "Benign". The aspartic acid amino acid residue is found in multiple mammalian species, which suggests that this missense change does not adversely affect protein function. In summary, the available evidence is currently insufficient to determine the role of this variant in disease. Therefore, it has been classified as a Variant of Uncertain Significance.

NM_001375883.1(GPR161):c.-11G>A

Gene: GPR161 (G protein-coupled receptor 161; minus strand). Cytogenetic location: 1q24.2.
Variant type: single nucleotide variant.
Coding change: c.-11G>A on transcript NM_001375883.1 (MANE Select); 11 bases upstream of the start codon, G replaced by A.
Molecular consequence: 5 prime UTR variant. On other transcripts: missense variant (2), intron variant (4).
Genome position (GRCh38, 1-based): chr1:168,104,861, C>T on the plus strand (G>A on the coding strand, the complement: GPR161 is on the minus strand). VCF-style: chr1-168104861-C-T. GRCh37 (hg19) VCF-style: chr1-168074099-C-T.
Other names: c.50G>A, p.Gly17Asp (NM_001267609.1); c.-11G>A (NM_001267610.2, NM_001349632.1, NM_001349633.1 and 5 more transcripts); c.41G>A, p.Gly14Asp (NM_001267611.1); c.-22-7629G>A (NM_001349635.1, NM_001267612.2); c.33-7629G>A (NM_001267614.1); c.141-7629G>A (NM_001267613.1); short protein forms G14D, G17D.
Identifiers: ClinVar variation 4799425 (VCV004799425.1).